The following is an entry in ClinVar:

ClinVar aggregate classification (germline): Uncertain significance (1 of 4 stars; one submission).

Submission:

Labcorp Genetics (formerly Invitae), Labcorp
Classification: Uncertain significance. Last evaluated: 2025-10-04. Review status: criteria provided, single submitter. Criteria: Invitae Variant Classification Sherloc (09022015). Collection method: clinical testing. Allele origin: germline.
Comment: This sequence change replaces methionine, which is neutral and non-polar, with isoleucine, which is neutral and non-polar, at codon 840 of the ANK3 protein (p.Met840Ile). This variant is not present in population databases (gnomAD no frequency). This variant has not been reported in the literature in individuals affected with ANK3-related conditions. Invitae Evidence Modeling of protein sequence and biophysical properties (such as structural, functional, and spatial information, amino acid conservation, physicochemical variation, residue mobility, and thermodynamic stability) has been performed for this missense variant. However, the output from this modeling did not meet the statistical confidence thresholds required to predict the impact of this variant on ANK3 protein function. In summary, the available evidence is currently insufficient to determine the role of this variant in disease. Therefore, it has been classified as a Variant of Uncertain Significance.

NM_020987.5(ANK3):c.2520G>T (p.Met840Ile)

Gene: ANK3 (ankyrin 3; minus strand). Cytogenetic location: 10q21.2.
Variant type: single nucleotide variant.
Coding change: c.2520G>T on transcript NM_020987.5 (MANE Select); coding-DNA position 2520, G replaced by T.
Protein change: p.Met840Ile; replaces methionine 840 with isoleucine.
Molecular consequence: missense variant.
Genome position (GRCh38, 1-based): chr10:60,166,855, C>A on the plus strand (G>T on the coding strand, the complement: ANK3 is on the minus strand). VCF-style: chr10-60166855-C-A. GRCh37 (hg19) VCF-style: chr10-61926613-C-A.
Other names: c.2502G>T, p.Met834Ile (NM_001204403.2); c.2469G>T, p.Met823Ile (NM_001204404.2); c.2520G>T, p.Met840Ile (NM_001320874.2); short protein forms M834I, M823I, M840I.
Identifiers: ClinVar variation 4705909 (VCV004705909.1).
Genomic context (GRCh38, chr10:60,166,855, plus strand): 5'-TATTGTGAACTCAAAGAACATTTTCATACCTTCATCATCAGACATATCAAGAACTTCATT[C>A]ATCGTTTCTGGAACATTCATTTTGTGCTTCTCTGTGACAGTCTAGTAACAAAAAAGCAGT-3'
Protein context (NP_066267.2, residues 830-850): EKHKMNVPET[Met840Ile]NEVLDMSDDE